The following is an entry in ClinVar:

ClinVar aggregate classification (germline): Uncertain significance (1 of 4 stars; one submission).

Conditions:
Alexander disease (ALXDRD). Also called: Alexander's disease. Identifiers: Orphanet 58, MedGen C0270726, MONDO:0008752, OMIM 203450.

Submission:

Neuberg Centre For Genomic Medicine, NCGM
Classification: Uncertain significance for Alexander disease. Last evaluated: 2024-02-01. Review status: criteria provided, single submitter. Criteria: ACMG Guidelines, 2015. Collection method: clinical testing. Allele origin: germline. Inheritance: Autosomal dominant inheritance.
Comment: The above missense variant adjacent to the splice region in GFAP gene has not been reported previously as a pathogenic variant nor as a benign variant, to our knowledge.

NM_002055.5(GFAP):c.909C>G (p.Asn303Lys)

Gene: GFAP (glial fibrillary acidic protein; minus strand). Cytogenetic location: 17q21.31.
Variant type: single nucleotide variant.
Coding change: c.909C>G on transcript NM_002055.5 (MANE Select); coding-DNA position 909, C replaced by G.
Protein change: p.Asn303Lys; replaces asparagine 303 with lysine.
Molecular consequence: missense variant.
Genome position (GRCh38, 1-based): chr17:44,911,454, G>C on the plus strand (C>G on the coding strand, the complement: GFAP is on the minus strand). VCF-style: chr17-44911454-G-C. GRCh37 (hg19) VCF-style: chr17-42988822-G-C.
Other names: c.909C>G, p.Asn303Lys (NM_001131019.3, NM_001242376.3, NM_001363846.2); short protein forms N303K.
Identifiers: ClinVar variation 3898028 (VCV003898028.1).
Genomic context (GRCh38, chr17:44,911,454, plus strand): 5'-ACTGGCCGCCTCCCGCACGTGCCGCTCCTCCTGCTCGCGCATCTGCCTCTCCAGGGACTC[G>C]TTCTGTGGGATGGAGCCGGCCGGTCCCGCGGAGCCCCGACCCGACTTGGGGAGGTTTCGA-3'
Protein context (NP_002046.1, residues 293-313): TCDLESLRGT[Asn303Lys]ESLERQMREQ